The following is an entry in ClinVar:

NM_000393.5(COL5A2):c.3307C>A (p.Pro1103Thr)

Gene: COL5A2 (collagen type V alpha 2 chain; minus strand). Cytogenetic location: 2q32.2.
Variant type: single nucleotide variant.
Coding change: c.3307C>A on transcript NM_000393.5 (MANE Select); coding-DNA position 3307, C replaced by A.
Protein change: p.Pro1103Thr; replaces proline 1103 with threonine.
Molecular consequence: missense variant.
Genome position (GRCh38, 1-based): chr2:189,045,802, G>T on the plus strand (C>A on the coding strand, the complement: COL5A2 is on the minus strand). VCF-style: chr2-189045802-G-T. GRCh37 (hg19) VCF-style: chr2-189910528-G-T.
Other names: short protein forms P1103T.
Identifiers: ClinVar variation 1311837 (VCV001311837.2), dbSNP rs1685654238, ClinGen allele CA349862457.

ClinVar aggregate classification (germline): Uncertain significance (1 of 4 stars; one submission).

Submission:

GeneDx
Classification: Uncertain significance. Last evaluated: 2020-02-03. Review status: criteria provided, single submitter. Criteria: GeneDx Variant Classification Process June 2021. Collection method: clinical testing. Allele origin: germline. Affected: yes.
Comment: Not observed in large population cohorts (Lek et al., 2016); In silico analysis supports that this missense variant does not alter protein structure/function; Has not been previously published as pathogenic or benign to our knowledge; Occurs in the triple helical domain at the Y position in the canonical Gly-X-Y repeat; although this variant may have an effect on normal protein folding and function, missense substitution at the Y position is not a common mechanism of disease (Symoens et al., 2012; Stenson et al., 2014)